The following is an entry in ClinVar:

NM_000094.4(COL7A1):c.7847T>A (p.Val2616Asp)

Gene: COL7A1 (collagen type VII alpha 1 chain; minus strand). Cytogenetic location: 3p21.31.
Variant type: single nucleotide variant.
Coding change: c.7847T>A on transcript NM_000094.4 (MANE Select); coding-DNA position 7847, T replaced by A.
Protein change: p.Val2616Asp; replaces valine 2616 with aspartic acid.
Molecular consequence: missense variant.
Genome position (GRCh38, 1-based): chr3:48,568,118, A>T on the plus strand (T>A on the coding strand, the complement: COL7A1 is on the minus strand). VCF-style: chr3-48568118-A-T. GRCh37 (hg19) VCF-style: chr3-48605551-A-T.
Other names: short protein forms V2616D.
Identifiers: ClinVar variation 3620221 (VCV003620221.2).

ClinVar aggregate classification (germline): Uncertain significance (1 of 4 stars; one submission).

Submission:

Labcorp Genetics (formerly Invitae), Labcorp
Classification: Uncertain significance. Last evaluated: 2025-10-02. Review status: criteria provided, single submitter. Criteria: Invitae Variant Classification Sherloc (09022015). Collection method: clinical testing. Allele origin: germline.
Comment: This sequence change replaces valine, which is neutral and non-polar, with aspartic acid, which is acidic and polar, at codon 2616 of the COL7A1 protein (p.Val2616Asp). This variant is not present in population databases (gnomAD no frequency). This variant has not been reported in the literature in individuals affected with COL7A1-related conditions. ClinVar contains an entry for this variant (Variation ID: 3620221). Invitae Evidence Modeling of protein sequence and biophysical properties (such as structural, functional, and spatial information, amino acid conservation, physicochemical variation, residue mobility, and thermodynamic stability) indicates that this missense variant is not expected to disrupt COL7A1 protein function with a negative predictive value of 95%. In summary, the available evidence is currently insufficient to determine the role of this variant in disease. Therefore, it has been classified as a Variant of Uncertain Significance.